The following is an entry in ClinVar:

NM_000059.4(BRCA2):c.3125dup (p.Leu1042fs)

Gene: BRCA2 (BRCA2 DNA repair associated; plus strand). Cytogenetic location: 13q13.1.
Variant type: Duplication.
Coding change: c.3125dup on transcript NM_000059.4 (MANE Select); coding-DNA position 3125, one base duplicated (T; older notation c.3125dupT).
Protein change: p.Leu1042fs; shifts the reading frame from leucine 1042.
Molecular consequence: frameshift variant.
Genome position (GRCh38, 1-based): chr13:32,337,480, T duplicated; the last of 3 consecutive T bases (chr13:32,337,478-32,337,480); duplicating any one gives the same sequence. VCF-style (leftmost placement, unchanged base first): chr13-32337477-G-GT. GRCh37 (hg19) VCF-style: chr13-32911614-G-GT.
Other names: short protein forms L1042fs.
Identifiers: ClinVar variation 1454980 (VCV001454980.12), dbSNP rs2137493447, ClinGen allele CA2573149278.

ClinVar aggregate classification (germline): Pathogenic. Review status: criteria provided, multiple submitters, no conflicts (2 of 4 stars). 5 submissions from 5 submitters: Pathogenic (5). Last evaluated 2025-07-31.

Conditions:
BRCA2-related cancer predisposition. Identifiers: MedGen CN377758, MONDO:0700269.
Hereditary cancer-predisposing syndrome. Also called: Neoplastic Syndromes, Hereditary; Tumor predisposition; Hereditary neoplastic syndrome; Hereditary Cancer Syndrome. Identifiers: Orphanet 140162, MedGen C0027672, MeSH D009386, MONDO:0015356.
BRCA2-related disorder. Also called: BRCA2-related condition; BRCA2-related disorders. Identifiers: MedGen CN239275.
Hereditary breast ovarian cancer syndrome. Also called: Hereditary breast and ovarian cancer syndrome (HBOC); Breast and ovarian cancer; BRCA1- and BRCA2-Associated Hereditary Breast and Ovarian Cancer; Hereditary breast and ovarian cancer; Hereditary breast and/or ovarian cancer syndrome; Hereditary breast and ovarian cancer syndrome. Identifiers: Orphanet 145, MedGen C0677776, MeSH D061325, MONDO:0003582. Disease mechanism: loss of function.

Submissions (5):

PreventionGenetics, part of Exact Sciences
Classification: Pathogenic for BRCA2-related condition. Last evaluated: 2025-07-31. Review status: criteria provided, single submitter. Criteria: ACMG Guidelines, 2015. Collection method: clinical testing. Allele origin: germline.
Comment: The BRCA2 c.3125dupT variant is predicted to result in a frameshift and premature protein termination (p.Leu1042Phefs*5). To our knowledge, this variant has not been reported in the literature or in a large population database (gnomAD), indicating this variant is rare. This variant is classified as pathogenic in ClinVar (Variation ID: 1454980). Frameshift variants in BRCA2 are expected to be pathogenic. This variant is interpreted as pathogenic.

Ambry Genetics
Classification: Pathogenic for Hereditary cancer-predisposing syndrome. Last evaluated: 2025-02-26. Review status: criteria provided, single submitter. Criteria: Ambry Variant Classification Scheme 2023. Collection method: clinical testing. Allele origin: germline.
Comment: The c.3125dupT pathogenic mutation, located in coding exon 10 of the BRCA2 gene, results from a duplication of T at nucleotide position 3125, causing a translational frameshift with a predicted alternate stop codon (p.L1042Ffs*5). This variant is considered to be rare based on population cohorts in the Genome Aggregation Database (gnomAD). This alteration is expected to result in loss of function by premature protein truncation or nonsense-mediated mRNA decay. As such, this alteration is interpreted as a disease-causing mutation.

Labcorp Genetics (formerly Invitae), Labcorp
Classification: Pathogenic for Hereditary breast ovarian cancer syndrome. Last evaluated: 2025-01-07. Review status: criteria provided, single submitter. Criteria: Invitae Variant Classification Sherloc (09022015). Collection method: clinical testing. Allele origin: germline.
Comment: This sequence change creates a premature translational stop signal (p.Leu1042Phefs*5) in the BRCA2 gene. It is expected to result in an absent or disrupted protein product. Loss-of-function variants in BRCA2 are known to be pathogenic (PMID: 20104584). This variant is not present in population databases (gnomAD no frequency). This variant has not been reported in the literature in individuals affected with BRCA2-related conditions. ClinVar contains an entry for this variant (Variation ID: 1454980). For these reasons, this variant has been classified as Pathogenic.

All of Us Research Program, National Institutes of Health
Classification: Pathogenic for BRCA2-related cancer predisposition. Last evaluated: 2024-08-30. Review status: criteria provided, single submitter. Criteria: ACMG Guidelines, 2015. Collection method: clinical testing. Allele origin: germline. Inheritance: Autosomal dominant inheritance. Observed: 1 variant allele, 1 heterozygote.
Comment: This variant inserts 1 nucleotide in exon 11 of the BRCA2 gene, creating a frameshift and premature translation stop signal. This variant is expected to result in an absent or non-functional protein product. To our knowledge, this variant has not been reported in individuals affected with BRCA2-related disorders in the literature. This variant has not been identified in the general population by the Genome Aggregation Database (gnomAD). Loss of BRCA2 function is a known mechanism of disease. Based on the available evidence, this variant is classified as Pathogenic.

This study involves interpretation of variants in research participants for the purpose of population health screening. Participant phenotype was not available at the time of variant classification. Additional details can be found in publication PMID: 35346344, PMCID: PMC8962531

Color Diagnostics, LLC DBA Color Health
Classification: Pathogenic for Hereditary cancer-predisposing syndrome. Last evaluated: 2024-05-08. Review status: criteria provided, single submitter. Criteria: ACMG Guidelines, 2015. Collection method: clinical testing. Allele origin: germline.
Comment: This variant inserts 1 nucleotide in exon 11 of the BRCA2 gene, creating a frameshift and premature translation stop signal. This variant is expected to result in an absent or non-functional protein product. To our knowledge, this variant has not been reported in individuals affected with BRCA2-related disorders in the literature. This variant has not been identified in the general population by the Genome Aggregation Database (gnomAD). Loss of BRCA2 function is a known mechanism of disease. Based on the available evidence, this variant is classified as Pathogenic.

Literature cited by the submitters: PubMed 20104584 (cited by Labcorp Genetics (formerly Invitae), Labcorp).